The following is an entry in ClinVar:

ClinVar aggregate classification (germline): Uncertain significance (1 of 4 stars; one submission).

Conditions:
Werner syndrome (WRN). Identifiers: Orphanet 902, MedGen C0043119, MONDO:0010196, OMIM 277700.

Submission:

Labcorp Genetics (formerly Invitae), Labcorp
Classification: Uncertain significance for Werner syndrome. Last evaluated: 2022-05-04. Review status: criteria provided, single submitter. Criteria: Invitae Variant Classification Sherloc (09022015). Collection method: clinical testing. Allele origin: germline.
Comment: In summary, the available evidence is currently insufficient to determine the role of this variant in disease. Therefore, it has been classified as a Variant of Uncertain Significance. Algorithms developed to predict the effect of missense changes on protein structure and function are either unavailable or do not agree on the potential impact of this missense change (SIFT: "Not Available"; PolyPhen-2: "Probably Damaging"; Align-GVGD: "Not Available"). This variant has not been reported in the literature in individuals affected with WRN-related conditions. This variant is not present in population databases (gnomAD no frequency). This sequence change replaces histidine, which is basic and polar, with asparagine, which is neutral and polar, at codon 1290 of the WRN protein (p.His1290Asn).

NM_000553.6(WRN):c.3868C>A (p.His1290Asn)

Gene: WRN (WRN RecQ like helicase; plus strand). Cytogenetic location: 8p12.
Variant type: single nucleotide variant.
Coding change: c.3868C>A on transcript NM_000553.6 (MANE Select); coding-DNA position 3868, C replaced by A.
Protein change: p.His1290Asn; replaces histidine 1290 with asparagine.
Molecular consequence: missense variant.
Genome position (GRCh38, 1-based): chr8:31,157,416, C>A. VCF-style: chr8-31157416-C-A. GRCh37 (hg19) VCF-style: chr8-31014932-C-A.
Other names: short protein forms H1290N.
Identifiers: ClinVar variation 1505802 (VCV001505802.8), dbSNP rs1474988209, ClinGen allele CA370929375.
Genomic context (GRCh38, chr8:31,157,416, plus strand): 5'-ATCTTTCTCTAGAAGAGCATAGCTGAGAGCAGGATTCTGCCTCTCATGACAATTGGCATG[C>A]ACTTATCCCAAGCGGTGAAAGCTGGCTGCCCCCTTGATTTGGAGCGAGCAGGCCTGACTC-3'
Protein context (NP_000544.2, residues 1280-1300): RILPLMTIGM[His1290Asn]LSQAVKAGCP